The following is an entry in ClinVar:

NM_024120.5(NDUFAF5):c.713C>T (p.Thr238Ile)

Gene: NDUFAF5 (NADH:ubiquinone oxidoreductase complex assembly factor 5; plus strand). Cytogenetic location: 20p12.1.
Variant type: single nucleotide variant.
Coding change: c.713C>T on transcript NM_024120.5 (MANE Select); coding-DNA position 713, C replaced by T.
Protein change: p.Thr238Ile; replaces threonine 238 with isoleucine.
Molecular consequence: missense variant. On other transcripts: non-coding transcript variant (7).
Genome position (GRCh38, 1-based): chr20:13,801,679, C>T. VCF-style: chr20-13801679-C-T. GRCh37 (hg19) VCF-style: chr20-13782325-C-T.
Other names: c.629C>T, p.Thr210Ile (NM_001039375.3); c.242C>T, p.Thr81Ile (NM_001352403.2); c.152C>T, p.Thr51Ile (NM_001352406.2, NM_001352407.2); c.713C>T, p.Thr238Ile (NM_001352408.2); short protein forms T238I, T51I, T81I, T210I.
Identifiers: ClinVar variation 1461718 (VCV001461718.3), dbSNP rs2147553797, ClinGen allele CA408271249.

ClinVar aggregate classification (germline): Uncertain significance (1 of 4 stars; one submission).

Submission:

Labcorp Genetics (formerly Invitae), Labcorp
Classification: Uncertain significance. Last evaluated: 2021-11-19. Review status: criteria provided, single submitter. Criteria: Invitae Variant Classification Sherloc (09022015). Collection method: clinical testing. Allele origin: germline.
Comment: This sequence change replaces threonine, which is neutral and polar, with isoleucine, which is neutral and non-polar, at codon 238 of the NDUFAF5 protein (p.Thr238Ile). This variant is not present in population databases (gnomAD no frequency). This variant has not been reported in the literature in individuals affected with NDUFAF5-related conditions. Algorithms developed to predict the effect of missense changes on protein structure and function (SIFT, PolyPhen-2, Align-GVGD) all suggest that this variant is likely to be disruptive. In summary, the available evidence is currently insufficient to determine the role of this variant in disease. Therefore, it has been classified as a Variant of Uncertain Significance.